The following is an entry in ClinVar:

NM_006282.5(STK4):c.1430T>C (p.Ile477Thr)

Gene: STK4 (serine/threonine kinase 4; plus strand). Cytogenetic location: 20q13.12.
Variant type: single nucleotide variant.
Coding change: c.1430T>C on transcript NM_006282.5 (MANE Select); coding-DNA position 1430, T replaced by C.
Protein change: p.Ile477Thr; replaces isoleucine 477 with threonine.
Molecular consequence: missense variant. On other transcripts: 3 prime UTR variant (1).
Genome position (GRCh38, 1-based): chr20:45,075,142, T>C. VCF-style: chr20-45075142-T-C. GRCh37 (hg19) VCF-style: chr20-43703783-T-C.
Other names: c.*136T>C (NM_001352385.2); c.1430T>C (NM_006282.2); short protein forms I477T.
Identifiers: ClinVar variation 863871 (VCV000863871.9), dbSNP rs201001614, ClinGen allele CA9874086.
Genomic context (GRCh38, chr20:45,075,142, plus strand): 5'-AGGAGATTGAAGAGATCCGGCAGAAGTACCAGTCCAAGCGGCAGCCCATCCTGGATGCCA[T>C]AGAGGCTAAGAAGAGACGGCAACAAAACTTCTGAGCAAGGCCAGGCTGTGAGGGCCCCAG-3'
Protein context (NP_006273.1, residues 467-487): QSKRQPILDA[Ile477Thr]EAKKRRQQNF

ClinVar aggregate classification (germline): Uncertain significance. Review status: criteria provided, multiple submitters, no conflicts (2 of 4 stars). 2 submissions from 2 submitters: Uncertain significance (2). Last evaluated 2025-05-01.

Conditions:
Inborn genetic diseases. Identifiers: MedGen C0950123, MeSH D030342.
Combined immunodeficiency due to STK4 deficiency (IMD110). Also called: STK4 DEFICIENCY; MST1 DEFICIENCY; T-cell immunodeficiency, recurrent infections, and autoimmunity with or without cardiac malformations. Identifiers: Orphanet 314689, MedGen C3553943, MONDO:0013934, OMIM 614868.

Allele frequency attached by ClinVar (database versions not stated): TOPMed 0.00001; gnomAD exomes 0.00002 and 0.00003; ExAC 0.00001.
gnomAD v4.1: 46 of 1,614,112 alleles (0.0028%); highest among the groups gnomAD compares: Non-Finnish European, 0.0033%; no homozygotes.

Submissions (2):

Ambry Genetics
Classification: Uncertain significance for Inborn genetic diseases. Last evaluated: 2025-05-01. Review status: criteria provided, single submitter. Criteria: Ambry Variant Classification Scheme 2023. Collection method: clinical testing. Allele origin: germline.

Labcorp Genetics (formerly Invitae), Labcorp
Classification: Uncertain significance for Combined immunodeficiency due to STK4 deficiency. Last evaluated: 2023-10-03. Review status: criteria provided, single submitter. Criteria: Invitae Variant Classification Sherloc (09022015). Collection method: clinical testing. Allele origin: germline.
Comment: This sequence change replaces isoleucine, which is neutral and non-polar, with threonine, which is neutral and polar, at codon 477 of the STK4 protein (p.Ile477Thr). This variant is present in population databases (rs201001614, gnomAD 0.004%). This variant has not been reported in the literature in individuals affected with STK4-related conditions. ClinVar contains an entry for this variant (Variation ID: 863871). Advanced modeling of protein sequence and biophysical properties (such as structural, functional, and spatial information, amino acid conservation, physicochemical variation, residue mobility, and thermodynamic stability) performed at Invitae indicates that this missense variant is not expected to disrupt STK4 protein function. In summary, the available evidence is currently insufficient to determine the role of this variant in disease. Therefore, it has been classified as a Variant of Uncertain Significance.